The following is an entry in ClinVar:

ClinVar aggregate classification (germline): Conflicting classifications of pathogenicity. Review status: criteria provided, conflicting classifications (1 of 4 stars). 12 submissions from 12 submitters: Uncertain significance (10); Likely benign (1). 1 of the submissions does not count toward it. Last evaluated 2026-06-08.

Conditions:
Lynch syndrome 5 (LYNCH5). Also called: Hereditary non-polyposis colorectal cancer, type 5; Colorectal cancer, hereditary nonpolyposis, type 5. Identifiers: Orphanet 144, MedGen C1833477, MONDO:0013710, OMIM 614350. Disease mechanism: loss of function.
Endometrial carcinoma. Also called: Endometrial carcinoma, somatic. Identifiers: MedGen C0476089, MONDO:0002447, OMIM 608089, HP:0012114.
Mismatch repair cancer syndrome 3. Identifiers: MedGen C5436807, MONDO:0030841, OMIM 619097.
Hereditary nonpolyposis colorectal neoplasms. Identifiers: MedGen C0009405, MeSH D003123.
Hereditary cancer-predisposing syndrome. Also called: Hereditary Cancer Syndrome; Tumor predisposition; Neoplastic Syndromes, Hereditary; Hereditary neoplastic syndrome. Identifiers: Orphanet 140162, MedGen C0027672, MeSH D009386, MONDO:0015356.
Lynch syndrome. Identifiers: Orphanet 144, MedGen C4552100, MONDO:0005835. Disease mechanism: loss of function.

Allele frequency attached by ClinVar (database versions not stated): gnomAD exomes 0.00003; ExAC 0.00007.
gnomAD v4.1: 17 of 1,611,688 alleles (0.0011%); highest among the groups gnomAD compares: Non-Finnish European, 0.00076%; no homozygotes.

Submissions (12):

Department of Clinical Genetics, Copenhagen University Hospital, Rigshospitalet
Classification: Uncertain significance for Lynch syndrome. Last evaluated: 2026-06-08. Review status: criteria provided, single submitter. Criteria: ACMG Guidelines, 2015. Collection method: clinical testing. Allele origin: germline.
Comment: The following ACMG criteria has been used: PM2_SUP (<0.00002 (<1 in 50,000 alleles) in gnomAD v4 dataset): PP3_MOD (In silico protein analysis (priors > 0.81)).

Labcorp Genetics (formerly Invitae), Labcorp
Classification: Likely benign for Hereditary nonpolyposis colorectal neoplasms. Last evaluated: 2026-01-26. Review status: criteria provided, single submitter. Criteria: Invitae Variant Classification Sherloc (09022015). Collection method: clinical testing. Allele origin: germline.

Center for Genomic Medicine, Rigshospitalet, Copenhagen University Hospital
Classification: Uncertain significance. Last evaluated: 2025-12-29. Review status: criteria provided, single submitter. Criteria: ACMG Guidelines, 2015. Collection method: clinical testing. Allele origin: germline.

Ambry Genetics
Classification: Uncertain significance for Hereditary cancer-predisposing syndrome. Last evaluated: 2025-11-03. Review status: criteria provided, single submitter. Criteria: Ambry Variant Classification Scheme 2023. Collection method: clinical testing. Allele origin: germline.
Comment: The p.D1181E variant (also known as c.3543C>G), located in coding exon 6 of the MSH6 gene, results from a C to G substitution at nucleotide position 3543. The aspartic acid at codon 1181 is replaced by glutamic acid, an amino acid with highly similar properties. This amino acid position is highly conserved in available vertebrate species. In addition, this alteration is predicted to be deleterious by in silico analysis. Based on the available evidence, the clinical significance of this variant remains unclear.

CeGaT Center for Human Genetics Tuebingen
Classification: Uncertain significance. Last evaluated: 2024-11-01. Review status: criteria provided, single submitter. Criteria: CeGaT Center For Human Genetics Tuebingen Variant Classification Criteria Version 2. Collection method: clinical testing. Allele origin: germline. Affected: yes. Observed: 2 variant alleles.
Comment: MSH6: PM2, PP3

All of Us Research Program, National Institutes of Health
Classification: Uncertain significance for Lynch syndrome. Last evaluated: 2024-06-11. Review status: criteria provided, single submitter. Criteria: ACMG Guidelines, 2015. Collection method: clinical testing. Allele origin: germline. Inheritance: Autosomal dominant inheritance. Observed: 5 variant alleles, 5 heterozygotes.
Comment: This missense variant replaces aspartic acid with glutamic acid at codon 1181 of the MSH6 protein. Computational prediction suggests that this variant may have deleterious impact on protein structure and function (internally defined REVEL score threshold >= 0.7, PMID: 27666373). Splice site prediction tools suggest that this variant may not impact RNA splicing. To our knowledge, functional studies have not been performed for this variant. This variant has been reported in a few Danish Lynch syndrome families (PMID 18566915, 22495361, 25648859). Two of these families also carried a likely pathogenic c.3647-1G>A covariant in the same gene (PMID: 22495361, 25648859), suggesting that this missense variant may not have been the primary cause for the observed phenotype. This variant has been identified in 8/251164 chromosomes in the general population by the Genome Aggregation Database (gnomAD). The available evidence is insufficient to determine the role of this variant in disease conclusively. Therefore, this variant is classified as a Variant of Uncertain Significance.

This study involves interpretation of variants in research participants for the purpose of population health screening. Participant phenotype was not available at the time of variant classification. Additional details can be found in publication PMID: 35346344, PMCID: PMC8962531

Color Diagnostics, LLC DBA Color Health
Classification: Uncertain significance for Hereditary cancer-predisposing syndrome. Last evaluated: 2024-03-04. Review status: criteria provided, single submitter. Criteria: ACMG Guidelines, 2015. Collection method: clinical testing. Allele origin: germline.
Comment: This missense variant replaces aspartic acid with glutamic acid at codon 1181 of the MSH6 protein. Computational prediction suggests that this variant may have deleterious impact on protein structure and function (internally defined REVEL score threshold >= 0.7, PMID: 27666373). To our knowledge, functional studies have not been performed for this variant. This variant has been reported in a few Danish Lynch syndrome families (PMID 18566915, 22495361, 25648859). Two of these families also carried a likely pathogenic c.3647-1G>A covariant in the same gene (PMID: 22495361, 25648859), suggesting that this missense variant may not have been the primary cause for the observed phenotype. This variant has been identified in 8/251164 chromosomes in the general population by the Genome Aggregation Database (gnomAD). The available evidence is insufficient to determine the role of this variant in disease conclusively. Therefore, this variant is classified as a Variant of Uncertain Significance.

Myriad Genetics, Inc.
Classification: Uncertain significance for Lynch syndrome 5. Last evaluated: 2023-03-29. Review status: criteria provided, single submitter. Criteria: Myriad Autosomal Dominant, Autosomal Recessive and X-Linked Classification Criteria (2023). Collection method: clinical testing. Allele origin: unknown.
Comment: This variant is classified as a variant of uncertain significance as there is insufficient evidence to determine its impact on protein function and/or cancer risk.

GeneDx
Classification: Uncertain significance. Last evaluated: 2022-10-07. Review status: criteria provided, single submitter. Criteria: GeneDx Variant Classification Process June 2021. Collection method: clinical testing. Allele origin: germline. Affected: yes.
Comment: In silico analysis supports that this missense variant has a deleterious effect on protein structure/function; This variant is associated with the following publications: (PMID: 26333163, 22495361, 25648859, 23621914, 18566915, 17531815, 21120944)

Blueprint Genetics
Classification: Uncertain significance. Last evaluated: 2022-07-29. Review status: criteria provided, single submitter. Criteria: ACMG Guidelines, 2015. Collection method: clinical testing. Allele origin: germline.

Department of Pathology and Laboratory Medicine, Sinai Health System
Classification: Uncertain significance for Endometrial carcinoma; Lynch syndrome 5; Mismatch repair cancer syndrome 3. Last evaluated: 2020-06-26. Review status: criteria provided, single submitter. Criteria: ACMG Guidelines, 2015. Collection method: research. Allele origin: germline.

Counsyl
Classification: Uncertain significance for Lynch syndrome 5. Last evaluated: 2017-10-24. Review status: no assertion criteria provided. Collection method: clinical testing. Allele origin: unknown. Not counted in ClinVar's aggregate classification.

Literature cited by the submitters: PubMed 18566915 (cited by 4 submitters); PubMed 22495361 (cited by 5 submitters); PubMed 25648859 (cited by 4 submitters); PubMed 26333163 (cited by Ambry Genetics).

NM_000179.3(MSH6):c.3543C>G (p.Asp1181Glu)

Gene: MSH6 (mutS homolog 6; plus strand). Cytogenetic location: 2p16.3.
Variant type: single nucleotide variant.
Coding change: c.3543C>G on transcript NM_000179.3 (MANE Select); coding-DNA position 3543, C replaced by G.
Protein change: p.Asp1181Glu; replaces aspartic acid 1181 with glutamic acid.
Molecular consequence: missense variant.
Genome position (GRCh38, 1-based): chr2:47,805,014, C>G. VCF-style: chr2-47805014-C-G. GRCh37 (hg19) VCF-style: chr2-48032153-C-G.
Other names: c.3153C>G, p.Asp1051Glu (NM_001281492.2); c.2637C>G, p.Asp879Glu (NM_001281493.2, NM_001281494.2); short protein forms D1181E, D879E, D1051E.
Identifiers: ClinVar variation 89409 (VCV000089409.63), dbSNP rs267608100, ClinGen allele CA013331.
Genomic context (GRCh38, chr2:47,805,014, plus strand): 5'-TGCTGAAGTGTGCAGGCTCACACCAATTGATAGAGTGTTTACTAGACTTGGTGCCTCAGA[C>G]AGAATAATGTCAGGTGAGTTTTTTGTTTCCCACTTAAGTTCTCATTCAGTCATTTAGATG-3'
Protein context (NP_000170.1, residues 1171-1191): DRVFTRLGAS[Asp1181Glu]RIMSGESTFF